The following is an entry in ClinVar:

NM_003097.6(SNRPN):c.525G>A (p.Pro175=)

Genes: SNHG14 (small nucleolar RNA host gene 14; plus strand), SNRPN (small nuclear ribonucleoprotein polypeptide N; plus strand), SNURF (SNRPN upstream open reading frame; plus strand). Cytogenetic location: 15q11.2.
Variant type: single nucleotide variant.
Coding change: c.525G>A on transcript NM_003097.6 (MANE Select); coding-DNA position 525, G replaced by A.
Protein change: p.Pro175=; no amino-acid change (proline 175 retained).
Molecular consequence: synonymous variant. On other transcripts: 3 prime UTR variant (1), non-coding transcript variant (1).
Genome position (GRCh38, 1-based): chr15:24,977,882, G>A. VCF-style: chr15-24977882-G-A. GRCh37 (hg19) VCF-style: chr15-25223029-G-A.
Other names: c.501G>A, p.Pro167= (NM_001378256.1, NM_001378257.1, NM_001400767.1); c.525G>A, p.Pro175= (NM_001400634.1, NM_001400635.1, NM_001400636.1 and 99 more transcripts); c.261G>A, p.Pro87= (NM_001400768.1); c.*713G>A (NM_005678.5); c.537G>A, p.Pro179= (NM_001378251.1, NM_001378252.1, NM_001378253.1 and 2 more transcripts).
Identifiers: ClinVar variation 735482 (VCV000735482.18), dbSNP rs369947986, ClinGen allele CA7431396.
Genomic context (GRCh38, chr15:24,977,882, plus strand): 5'-TGCTGCGACTGCCAGTATTGCTGGAGCCCCAACACAGTACCCACCAGGACGGGGCACTCC[G>A]CCCCCACCCGTCGGCAGAGCAACCCCACCTCCAGGTAAGGGATTGGTGAACACGAAGACG-3'
Protein context (NP_003088.1, residues 165-185): PTQYPPGRGT[Pro175=]PPPVGRATPP

ClinVar aggregate classification (germline): Benign/Likely benign. Review status: criteria provided, multiple submitters, no conflicts (2 of 4 stars). 2 submissions from 2 submitters: Benign (1); Likely benign (1). Last evaluated 2024-12-01.

Allele frequency attached by ClinVar (database versions not stated): gnomAD 0.00023 and 0.00048; TOPMed 0.00028; 1000 Genomes Project 0.00160; 1000 Genomes Project 30x 0.00156; gnomAD exomes 0.00111 and 0.00073; ESP Exome Variant Server 0.00041; ExAC 0.00122.
gnomAD v4.1: 1,116 of 1,592,118 alleles (0.07%); highest among the groups gnomAD compares: South Asian, 0.86%; 15 homozygotes.

Submissions (2):

CeGaT Center for Human Genetics Tuebingen
Classification: Likely benign. Last evaluated: 2024-12-01. Review status: criteria provided, single submitter. Criteria: CeGaT Center For Human Genetics Tuebingen Variant Classification Criteria Version 2. Collection method: clinical testing. Allele origin: germline. Affected: yes. Observed: 1 variant allele.
Comment: SNRPN: BP4, BP7, BS2

Labcorp Genetics (formerly Invitae), Labcorp
Classification: Benign. Last evaluated: 2019-03-04. Review status: criteria provided, single submitter. Criteria: Invitae Variant Classification Sherloc (09022015). Collection method: clinical testing. Allele origin: germline.